The following is an entry in ClinVar:

ClinVar aggregate classification (germline): Uncertain significance. Review status: criteria provided, multiple submitters, no conflicts (2 of 4 stars). 2 submissions from 2 submitters: Uncertain significance (2). Last evaluated 2025-08-15.

Conditions:
Multiple congenital anomalies-hypotonia-seizures syndrome 3 (MCAHS3). Also called: GLYCOSYLPHOSPHATIDYLINOSITOL BIOSYNTHESIS DEFECT 7. Identifiers: Orphanet 369837, MedGen C3809356, MONDO:0014165, OMIM 615398.
Inborn genetic diseases. Identifiers: MedGen C0950123, MeSH D030342.

Allele frequency attached by ClinVar (database versions not stated): TOPMed 0.00001.

Submissions (2):

Labcorp Genetics (formerly Invitae), Labcorp
Classification: Uncertain significance for Multiple congenital anomalies-hypotonia-seizures syndrome 3. Last evaluated: 2025-08-15. Review status: criteria provided, single submitter. Criteria: Invitae Variant Classification Sherloc (09022015). Collection method: clinical testing. Allele origin: germline.
Comment: This sequence change replaces proline, which is neutral and non-polar, with leucine, which is neutral and non-polar, at codon 38 of the PIGT protein (p.Pro38Leu). This variant is not present in population databases (gnomAD no frequency). This variant has not been reported in the literature in individuals affected with PIGT-related conditions. ClinVar contains an entry for this variant (Variation ID: 1945195). Invitae Evidence Modeling of protein sequence and biophysical properties (such as structural, functional, and spatial information, amino acid conservation, physicochemical variation, residue mobility, and thermodynamic stability) has been performed for this missense variant. However, the output from this modeling did not meet the statistical confidence thresholds required to predict the impact of this variant on PIGT protein function. In summary, the available evidence is currently insufficient to determine the role of this variant in disease. Therefore, it has been classified as a Variant of Uncertain Significance.

Ambry Genetics
Classification: Uncertain significance for Inborn genetic diseases. Last evaluated: 2025-06-22. Review status: criteria provided, single submitter. Criteria: Ambry Variant Classification Scheme 2023. Collection method: clinical testing. Allele origin: germline.

NM_015937.6(PIGT):c.113C>T (p.Pro38Leu)

Gene: PIGT (phosphatidylinositol glycan anchor biosynthesis class T; plus strand). Cytogenetic location: 20q13.12.
Variant type: single nucleotide variant.
Coding change: c.113C>T on transcript NM_015937.6 (MANE Select); coding-DNA position 113, C replaced by T.
Protein change: p.Pro38Leu; replaces proline 38 with leucine.
Molecular consequence: missense variant. On other transcripts: non-coding transcript variant (5).
Genome position (GRCh38, 1-based): chr20:45,416,269, C>T. VCF-style: chr20-45416269-C-T. GRCh37 (hg19) VCF-style: chr20-44044909-C-T.
Other names: c.113C>T, p.Pro38Leu (NM_001184728.3, NM_001184729.3, NM_001184730.3); c.113C>T (NM_015937.4); short protein forms P38L.
Identifiers: ClinVar variation 1945195 (VCV001945195.6), dbSNP rs1218912444, ClinGen allele CA409165851.